The following is an entry in ClinVar:

ClinVar aggregate classification (germline): Likely benign (1 of 4 stars; one submission).

gnomAD v4.1: 2,000 of 1,611,898 alleles (0.12%); highest among the groups gnomAD compares: Non-Finnish European, 0.16%; 1 homozygote.

Submission:

CeGaT Center for Human Genetics Tuebingen
Classification: Likely benign. Last evaluated: 2026-02-01. Review status: criteria provided, single submitter. Criteria: CeGaT Center For Human Genetics Tuebingen Variant Classification Criteria Version 2. Collection method: clinical testing. Allele origin: germline. Affected: yes. Observed: 1 variant allele.
Comment: TMEM63B: BP4, BS1

NM_018426.3(TMEM63B):c.1695C>T (p.Asn565=)

Genes: TMEM63B (transmembrane protein 63B; plus strand), LOC132089394 (Neanderthal introgressed variant-containing enhancer experimental_91884; plus strand). Cytogenetic location: 6p21.1.
Variant type: single nucleotide variant.
Coding change: c.1695C>T on transcript NM_018426.3 (MANE Select); coding-DNA position 1695, C replaced by T.
Protein change: p.Asn565=; no amino-acid change (asparagine 565 retained).
Molecular consequence: synonymous variant.
Genome position (GRCh38, 1-based): chr6:44,151,867, C>T. VCF-style: chr6-44151867-C-T. GRCh37 (hg19) VCF-style: chr6-44119604-C-T.
Other names: c.1695C>T, p.Asn565= (NM_001318792.1).
Identifiers: ClinVar variation 4821013 (VCV004821013.4).